The following is an entry in ClinVar:

ClinVar aggregate classification (germline): Conflicting classifications of pathogenicity. Review status: criteria provided, conflicting classifications (1 of 4 stars). 5 submissions from 5 submitters: Uncertain significance (4); Likely benign (1). Last evaluated 2025-07-03.

Conditions:
Hereditary breast ovarian cancer syndrome. Also called: Hereditary breast and ovarian cancer; Hereditary breast and ovarian cancer syndrome; Breast and ovarian cancer; BRCA1- and BRCA2-Associated Hereditary Breast and Ovarian Cancer; Hereditary breast and/or ovarian cancer syndrome; Hereditary breast and ovarian cancer syndrome (HBOC). Identifiers: Orphanet 145, MedGen C0677776, MeSH D061325, MONDO:0003582. Disease mechanism: loss of function.
Hereditary cancer-predisposing syndrome. Also called: Neoplastic Syndromes, Hereditary; Hereditary Cancer Syndrome; Tumor predisposition; Hereditary neoplastic syndrome. Identifiers: Orphanet 140162, MedGen C0027672, MeSH D009386, MONDO:0015356.

Allele frequency attached by ClinVar (database versions not stated): gnomAD exomes below 0.00001.
gnomAD v4.1: 1 of 1,614,162 alleles (0.000062%); highest among the groups gnomAD compares: South Asian, 0.0011%; no homozygotes.

Submissions (5):

ARUP Laboratories, Molecular Genetics and Genomics, ARUP Laboratories
Classification: Uncertain significance. Last evaluated: 2025-07-03. Review status: criteria provided, single submitter. Criteria: ARUP Molecular Germline Variant Investigation Process 2024. Collection method: clinical testing. Allele origin: germline.
Comment: The BRCA2 c.8696A>G; p.Gln2899Arg variant (rs2072875390, ClinVar Variation ID: 993210) is reported in the literature in one individual with breast cancer (Abu-Helalah 2020). This variant is absent from the Genome Aggregation Database (v2.1.1), indicating it is not a common polymorphism. Computational analyses predict that this variant is neutral (BayesDel no-AF: -0.00433934). Due to limited information, the clinical significance of this variant is uncertain at this time. References: Abu-Helalah M et al. BRCA1 and BRCA2 genes mutations among high risk breast cancer patients in Jordan. Sci Rep. 2020 Oct 16;10(1):17573. PMID: 33067490.

Ambry Genetics
Classification: Likely benign for Hereditary cancer-predisposing syndrome. Last evaluated: 2025-05-15. Review status: criteria provided, single submitter. Criteria: Ambry Variant Classification Scheme 2023. Collection method: clinical testing. Allele origin: germline.

Labcorp Genetics (formerly Invitae), Labcorp
Classification: Uncertain significance for Hereditary breast ovarian cancer syndrome. Last evaluated: 2022-12-20. Review status: criteria provided, single submitter. Criteria: Invitae Variant Classification Sherloc (09022015). Collection method: clinical testing. Allele origin: germline.
Comment: In summary, the available evidence is currently insufficient to determine the role of this variant in disease. Therefore, it has been classified as a Variant of Uncertain Significance. Advanced modeling of protein sequence and biophysical properties (such as structural, functional, and spatial information, amino acid conservation, physicochemical variation, residue mobility, and thermodynamic stability) performed at Invitae indicates that this missense variant is not expected to disrupt BRCA2 protein function. ClinVar contains an entry for this variant (Variation ID: 993210). This missense change has been observed in individual(s) with breast cancer (PMID: 33067490). This variant is not present in population databases (gnomAD no frequency). This sequence change replaces glutamine, which is neutral and polar, with arginine, which is basic and polar, at codon 2899 of the BRCA2 protein (p.Gln2899Arg).

Revvity Omics, Revvity
Classification: Uncertain significance. Last evaluated: 2022-11-02. Review status: criteria provided, single submitter. Criteria: ACMG Guidelines, 2015. Collection method: clinical testing. Allele origin: germline.

Quest Diagnostics Nichols Institute San Juan Capistrano
Classification: Uncertain significance. Last evaluated: 2020-01-22. Review status: criteria provided, single submitter. Criteria: Quest Diagnostics criteria. Collection method: clinical testing. Allele origin: unknown.

Literature cited by the submitters: PubMed 33067490 (cited by Ambry Genetics and Labcorp Genetics (formerly Invitae), Labcorp).

NM_000059.4(BRCA2):c.8696A>G (p.Gln2899Arg)

Gene: BRCA2 (BRCA2 DNA repair associated; plus strand). Cytogenetic location: 13q13.1.
Variant type: single nucleotide variant.
Coding change: c.8696A>G on transcript NM_000059.4 (MANE Select); coding-DNA position 8696, A replaced by G.
Protein change: p.Gln2899Arg; replaces glutamine 2899 with arginine.
Molecular consequence: missense variant.
Genome position (GRCh38, 1-based): chr13:32,376,733, A>G. VCF-style: chr13-32376733-A-G. GRCh37 (hg19) VCF-style: chr13-32950870-A-G.
Other names: short protein forms Q2899R.
Identifiers: ClinVar variation 993210 (VCV000993210.12), dbSNP rs2072875390, ClinGen allele CA387754835.